The following is an entry in ClinVar:

NM_000023.4(SGCA):c.250dup (p.His84fs)

Gene: SGCA (sarcoglycan alpha; plus strand). Cytogenetic location: 17q21.33.
Variant type: Duplication.
Coding change: c.250dup on transcript NM_000023.4 (MANE Select); coding-DNA position 250, one base duplicated (C; older notation c.250dupC).
Protein change: p.His84fs; shifts the reading frame from histidine 84.
Molecular consequence: frameshift variant. On other transcripts: non-coding transcript variant (1).
Genome position (GRCh38, 1-based): chr17:50,167,674, C duplicated; the last of 5 consecutive C bases (chr17:50,167,670-50,167,674); duplicating any one gives the same sequence. VCF-style (leftmost placement, unchanged base first): chr17-50167669-G-GC. GRCh37 (hg19) VCF-style: chr17-48245030-G-GC.
Other names: c.250dup, p.His84fs (NM_001135697.3); short protein forms H84fs.
Identifiers: ClinVar variation 2007370 (VCV002007370.4), dbSNP rs2509118949, ClinGen allele CA2580094140.

ClinVar aggregate classification (germline): Pathogenic (1 of 4 stars; one submission).

Conditions:
Autosomal recessive limb-girdle muscular dystrophy type 2D (LGMDR3). Also called: ADHALINOPATHY, PRIMARY; DUCHENNE-LIKE AUTOSOMAL RECESSIVE MUSCULAR DYSTROPHY, TYPE 2; MUSCULAR DYSTROPHY, LIMB-GIRDLE, AUTOSOMAL RECESSIVE 3. Identifiers: Orphanet 62, MedGen C2936332, MONDO:0011968, OMIM 608099. Disease mechanism: Affects gamma-sarcoglycan and also disrupts the integrity of the entire sarcoglycan complex..

Submission:

Labcorp Genetics (formerly Invitae), Labcorp
Classification: Pathogenic for Autosomal recessive limb-girdle muscular dystrophy type 2D. Last evaluated: 2022-10-15. Review status: criteria provided, single submitter. Criteria: Invitae Variant Classification Sherloc (09022015). Collection method: clinical testing. Allele origin: germline.
Comment: This variant has not been reported in the literature in individuals affected with SGCA-related conditions. For these reasons, this variant has been classified as Pathogenic. This variant is not present in population databases (gnomAD no frequency). This sequence change creates a premature translational stop signal (p.His84Profs*21) in the SGCA gene. It is expected to result in an absent or disrupted protein product. Loss-of-function variants in SGCA are known to be pathogenic (PMID: 9192266).

Literature cited by the submitters: PubMed 9192266.